The following is an entry in ClinVar:

ClinVar aggregate classification (germline): Pathogenic. Review status: criteria provided, single submitter (1 of 4 stars). 2 submissions from 2 submitters: Pathogenic (1). 1 of the submissions does not count toward it. Last evaluated 2022-09-26.

Conditions:
Gastric cancer. Also called: Stomach cancer; Malignant tumor of stomach. Identifiers: MedGen C0024623, MeSH D013274, MONDO:0001056, OMIM 613659, HP:0012126.
Hereditary cancer-predisposing syndrome. Also called: Neoplastic Syndromes, Hereditary; Tumor predisposition; Hereditary Cancer Syndrome; Hereditary neoplastic syndrome. Identifiers: Orphanet 140162, MedGen C0027672, MeSH D009386, MONDO:0015356.

Submissions (2):

Ambry Genetics
Classification: Pathogenic for Hereditary cancer-predisposing syndrome. Last evaluated: 2022-09-26. Review status: criteria provided, single submitter. Criteria: Ambry Variant Classification Scheme 2023. Collection method: clinical testing. Allele origin: germline.
Comment: The p.K68* pathogenic mutation (also known as c.202A>T), located in coding exon 1 of the MSH6 gene, results from an A to T substitution at nucleotide position 202. This changes the amino acid from a lysine to a stop codon within coding exon 1. This variant is considered to be rare based on population cohorts in the Genome Aggregation Database (gnomAD). This alteration is expected to result in loss of function by premature protein truncation or nonsense-mediated mRNA decay. As such, this alteration is interpreted as a disease-causing mutation.

Laboratory for Genotyping Development, RIKEN
Classification: Pathogenic for Gastric cancer. Last evaluated: 2021-07-01. Review status: no assertion criteria provided. Collection method: research. Allele origin: germline. Not counted in ClinVar's aggregate classification.

Literature cited by the submitters: PubMed 36988593 (cited by Laboratory for Genotyping Development, RIKEN).

NM_000179.3(MSH6):c.202A>T (p.Lys68Ter)

Gene: MSH6 (mutS homolog 6; plus strand). Cytogenetic location: 2p16.3.
Variant type: single nucleotide variant.
Coding change: c.202A>T on transcript NM_000179.3 (MANE Select); coding-DNA position 202, A replaced by T.
Protein change: p.Lys68Ter; replaces lysine 68 with a stop codon.
Molecular consequence: nonsense. On other transcripts: 5 prime UTR variant (1), synonymous variant (1).
Genome position (GRCh38, 1-based): chr2:47,783,435, A>T. VCF-style: chr2-47783435-A-T. GRCh37 (hg19) VCF-style: chr2-48010574-A-T.
Other names: c.202A>T, p.Lys68Ter (NM_001281492.2, NM_001406795.1, NM_001406796.1 and 9 more transcripts); c.-535A>T (NM_001281493.2, NM_001406811.1); c.-127A>T (NM_001406799.1); c.147A>T, p.Pro49= (NM_001406804.1); c.-727A>T (NM_001406807.1); c.-382A>T (NM_001406812.1); c.-793A>T (NM_001406814.1); c.-338A>T (NM_001406816.1); short protein forms K68*.
Identifiers: ClinVar variation 1784729 (VCV001784729.20), dbSNP rs2103941902, ClinGen allele CA346735043.